The following is an entry in ClinVar:

NM_001009944.3(PKD1):c.6588G>A (p.Gln2196=)

Gene: PKD1 (polycystin 1, transient receptor potential channel interacting; minus strand). Cytogenetic location: 16p13.3.
Variant type: single nucleotide variant.
Coding change: c.6588G>A on transcript NM_001009944.3 (MANE Select); coding-DNA position 6588, G replaced by A.
Protein change: p.Gln2196=; no amino-acid change (glutamine 2196 retained).
Molecular consequence: synonymous variant.
Genome position (GRCh38, 1-based): chr16:2,108,579, C>T on the plus strand (G>A on the coding strand, the complement: PKD1 is on the minus strand). VCF-style: chr16-2108579-C-T. GRCh37 (hg19) VCF-style: chr16-2158580-C-T.
Other names: c.6588G>A, p.Gln2196= (NM_000296.4).
Identifiers: ClinVar variation 997181 (VCV000997181.1), dbSNP rs2092420452, ClinGen allele CA493047431.

ClinVar aggregate classification (germline): Likely benign (0 of 4 stars; one submission).

Conditions:
Polycystic kidney disease. Also called: Polycystic kidney dysplasia; Kidney, Polycystic. Identifiers: MedGen C0022680, MeSH D007690, MONDO:0020642, HP:0000113.

Allele frequency attached by ClinVar (database versions not stated): gnomAD exomes below 0.00001.

Submission:

Department of Pathology and Laboratory Medicine, Sinai Health System
Classification: Likely benign for Polycystic Kidney disease. Review status: no assertion criteria provided. Collection method: clinical testing. Allele origin: unknown. Affected: yes. Study: The Canadian Open Genetics Repository (COGR).
Comment: The PKD1 p.Gln2196= variant was not identified in the literature nor was it identified in the dbSNP, ClinVar, GeneInsight-COGR, LOVD 3.0, ADPKD Mutation Database, or PKD1-LOVD, databases. The variant was not identified in the following control databases: the Exome Aggregation Consortium (August 8th 2016), or the Genome Aggregation Database (Feb 27, 2017). The p.Gln2196= variant is not expected to have clinical significance because it does not result in a change of amino acid and is not located in a known consensus splice site. In addition, in silico or computational prediction software programs (SpliceSiteFinder, MaxEntScan, NNSPLICE, GeneSplicer, HumanSpliceFinder) do not predict a difference in splicing. In summary, based on the above information the clinical significance of this variant cannot be determined with certainty at this time although we would lean towards a more benign role for this variant. This variant is classified as likely benign.